The following is an entry in ClinVar:

ClinVar aggregate classification (germline): Uncertain significance (1 of 4 stars; one submission).

Conditions:
Hearing loss, autosomal dominant 75. Also called: DEAFNESS, AUTOSOMAL DOMINANT 75. Identifiers: MedGen C5394059, MONDO:0032911, OMIM 618778.

Allele frequency attached by ClinVar (database versions not stated): gnomAD exomes below 0.00001; ExAC 0.00001; gnomAD 0.00003 and 0.00004; TOPMed 0.00003.
gnomAD v4.1: 9 of 1,608,810 alleles (0.00056%); highest among the groups gnomAD compares: Middle Eastern, 0.017%; no homozygotes.

Submission:

Johns Hopkins Genomics, Johns Hopkins University
Classification: Uncertain significance for Hearing loss, autosomal dominant 75. Last evaluated: 2020-04-17. Review status: criteria provided, single submitter. Criteria: ACMG Guidelines, 2015. Collection method: clinical testing. Allele origin: germline.
Comment: This TRRAP variant (rs781498125) is rare (<0.1%) in a large population dataset (gnomAD: 1/236710 total alleles; 0.0004225%; no homozygotes) and has not been reported in the literature to our knowledge. Three bioinformatic tools queried predict that this substitution would be probably damaging, and the arginine residue at this position is evolutionarily conserved across all species assessed. Due to insufficient evidence that this variant is deleterious, we consider the clinical significance of c.8663G>A to be uncertain at this time.

NM_001375524.1(TRRAP):c.8738G>A (p.Arg2913His)

Gene: TRRAP (transformation/transcription domain associated protein; plus strand). Cytogenetic location: 7q22.1.
Variant type: single nucleotide variant.
Coding change: c.8738G>A on transcript NM_001375524.1 (MANE Select); coding-DNA position 8738, G replaced by A.
Protein change: p.Arg2913His; replaces arginine 2913 with histidine.
Molecular consequence: missense variant.
Genome position (GRCh38, 1-based): chr7:98,981,872, G>A. VCF-style: chr7-98981872-G-A. GRCh37 (hg19) VCF-style: chr7-98579495-G-A.
Other names: c.8717G>A, p.Arg2906His (NM_001244580.2); c.8663G>A, p.Arg2888His (NM_003496.4); short protein forms R2888H, R2906H, R2913H.
Identifiers: ClinVar variation 973887 (VCV000973887.1), dbSNP rs781498125, ClinGen allele CA4361524.
Genomic context (GRCh38, chr7:98,981,872, plus strand): 5'-TGTACCGCGGATACCTGGCCATCTGCCACCCCGAGGAGCAGCAGCTCAGCTTCATCGAGC[G>A]CCTGGTGGAGATGGCCAGCAGCCTGGCCATCCGCGAGTGGCGGCGGCTGCCCCACGTAGT-3'
Protein context (NP_001362453.1, residues 2903-2923): PEEQQLSFIE[Arg2913His]LVEMASSLAI